The following is an entry in ClinVar:

ClinVar aggregate classification (germline): Conflicting classifications of pathogenicity. Review status: criteria provided, conflicting classifications (1 of 4 stars). 2 submissions from 2 submitters: Uncertain significance (1); Likely benign (1). Last evaluated 2026-01-27.

Conditions:
Bethlem myopathy 2 (BTHLM2). Identifiers: Orphanet 536516, Orphanet 610, MedGen C4225313, MONDO:0034022, OMIM 616471.
Ullrich congenital muscular dystrophy 2 (UCMD2). Identifiers: Orphanet 75840, MedGen C4225314, MONDO:0014654, OMIM 616470.

Allele frequency attached by ClinVar (database versions not stated): gnomAD exomes 0.00002 and 0.00005; ExAC 0.00001; gnomAD 0.00011; TOPMed 0.00010.
gnomAD v4.1: 44 of 1,603,540 alleles (0.0027%); highest among the groups gnomAD compares: Admixed American, 0.043%; no homozygotes.

Submissions (2):

Labcorp Genetics (formerly Invitae), Labcorp
Classification: Likely benign for Bethlem myopathy 2; Ullrich congenital muscular dystrophy 2. Last evaluated: 2026-01-27. Review status: criteria provided, single submitter. Criteria: Invitae Variant Classification Sherloc (09022015). Collection method: clinical testing. Allele origin: germline.

GeneDx
Classification: Uncertain significance. Last evaluated: 2019-06-28. Review status: criteria provided, single submitter. Criteria: GeneDx Variant Classification Process June 2021. Collection method: clinical testing. Allele origin: germline. Affected: yes.
Comment: Has not been previously published as pathogenic or benign to our knowledge; In silico analysis, which includes protein predictors and evolutionary conservation, supports that this variant does not alter protein structure/function

NM_004370.6(COL12A1):c.1883A>G (p.Lys628Arg)

Gene: COL12A1 (collagen type XII alpha 1 chain; minus strand). Cytogenetic location: 6q13.
Variant type: single nucleotide variant.
Coding change: c.1883A>G on transcript NM_004370.6 (MANE Select); coding-DNA position 1883, A replaced by G.
Protein change: p.Lys628Arg; replaces lysine 628 with arginine.
Molecular consequence: missense variant. On other transcripts: intron variant (1).
Genome position (GRCh38, 1-based): chr6:75,183,058, T>C on the plus strand (A>G on the coding strand, the complement: COL12A1 is on the minus strand). VCF-style: chr6-75183058-T-C. GRCh37 (hg19) VCF-style: chr6-75892774-T-C.
Other names: c.73+19662A>G (NM_080645.3); short protein forms K628R.
Identifiers: ClinVar variation 1317126 (VCV001317126.9), dbSNP rs752689011, ClinGen allele CA3894124.
Genomic context (GRCh38, chr6:75,183,058, plus strand): 5'-CAAAAATTCTTTGTTCATGAAGAAATAACTTTTACTCTCAAAGTCTACTAACCTTTCTTC[T>C]TTATAGCTGCCAATTCTTGCTCAATTCTAAGGCAGATAGACTGTGTGAGTTCAAAAGATA-3'
Protein context (NP_004361.3, residues 618-638): LRIEQELAAI[Lys628Arg]KKAYVPPKDL